The following is an entry in ClinVar:

NM_015202.5(KATNIP):c.4802C>A (p.Ala1601Asp)

Gene: KATNIP (katanin interacting protein; plus strand). Cytogenetic location: 16p12.1.
Variant type: single nucleotide variant.
Coding change: c.4802C>A on transcript NM_015202.5 (MANE Select); coding-DNA position 4802, C replaced by A.
Protein change: p.Ala1601Asp; replaces alanine 1601 with aspartic acid.
Molecular consequence: missense variant.
Genome position (GRCh38, 1-based): chr16:27,778,574, C>A. VCF-style: chr16-27778574-C-A. GRCh37 (hg19) VCF-style: chr16-27789895-C-A.
Other names: short protein forms A1601D.
Identifiers: ClinVar variation 1904060 (VCV001904060.29), dbSNP rs756162835, ClinGen allele CA7978797.

ClinVar aggregate classification (germline): Uncertain significance. Review status: criteria provided, multiple submitters, no conflicts (2 of 4 stars). 3 submissions from 3 submitters: Uncertain significance (3). Last evaluated 2026-01-12.

Allele frequency attached by ClinVar (database versions not stated): ExAC 0.00005.
gnomAD v4.1: 64 of 1,613,544 alleles (0.004%); highest among the groups gnomAD compares: Non-Finnish European, 0.0047%; 1 homozygote.

Submissions (3):

Labcorp Genetics (formerly Invitae), Labcorp
Classification: Uncertain significance. Last evaluated: 2026-01-12. Review status: criteria provided, single submitter. Criteria: Invitae Variant Classification Sherloc (09022015). Collection method: clinical testing. Allele origin: germline.
Comment: This sequence change replaces alanine, which is neutral and non-polar, with aspartic acid, which is acidic and polar, at codon 1601 of the KIAA0556 protein (p.Ala1601Asp). This variant is present in population databases (rs756162835, gnomAD 0.01%). This variant has not been reported in the literature in individuals affected with KIAA0556-related conditions. ClinVar contains an entry for this variant (Variation ID: 1904060). An algorithm developed to predict the effect of missense changes on protein structure and function (PolyPhen-2) suggests that this variant is likely to be disruptive. In summary, the available evidence is currently insufficient to determine the role of this variant in disease. Therefore, it has been classified as a Variant of Uncertain Significance.

CeGaT Center for Human Genetics Tuebingen
Classification: Uncertain significance. Last evaluated: 2023-07-01. Review status: criteria provided, single submitter. Criteria: CeGaT Center For Human Genetics Tuebingen Variant Classification Criteria Version 2. Collection method: clinical testing. Allele origin: germline. Affected: yes. Observed: 1 variant allele.
Comment: KATNIP: PM2

Blueprint Genetics
Classification: Uncertain significance. Last evaluated: 2023-01-04. Review status: criteria provided, single submitter. Criteria: ACMG Guidelines, 2015. Collection method: clinical testing. Allele origin: germline.